The following is an entry in ClinVar:

ClinVar aggregate classification (germline): Pathogenic (1 of 4 stars; one submission).

Submission:

Illumina Laboratory Services, Illumina
Classification: Pathogenic. Last evaluated: 2023-05-23. Review status: criteria provided, single submitter. Criteria: ICSL CNVClassificationCriteria Aug2020. Collection method: clinical testing. Allele origin: unknown.
Comment: This CNV is a 7.2 Mb deletion of 3p26.3-p26.1 on chromosome 3, (seq[GRCh37]del(3)(3p26.3p26.1), NC_000003.11:g.61434_7264917del). This CNV constitutes a loss of 14 protein coding genes and has not been reported in controls. Deletions of a similar size occurring either de novo or as a result of a balanced translocation in an unaffected parent, have been reported in multiple individuals with developmental abnormalities and dysmorphic features (PMID: 19344873). Based on the available evidence, this CNV is classified as pathogenic.

Single allele

Genes: ARL8B (ARF like GTPase 8B; plus strand), BHLHE40 (basic helix-loop-helix family member e40; plus strand), CHL1 (cell adhesion molecule L1 like; plus strand), CNTN4 (contactin 4; plus strand), CNTN6 (contactin 6; plus strand) and 10 more. Cytogenetic location: 3p26.3-26.1.
Variant type: Deletion.
Identifiers: ClinVar variation 2671609 (VCV002671609.1).